The following is an entry in ClinVar:

ClinVar aggregate classification (germline): Uncertain significance (1 of 4 stars; one submission).

Conditions:
Left-right axis malformations. Identifiers: MedGen C1866091.

Allele frequency attached by ClinVar (database versions not stated): ExAC 0.00004; gnomAD 0.00010; ESP Exome Variant Server 0.00015; 1000 Genomes Project 0.00020; 1000 Genomes Project 30x 0.00031.
gnomAD v4.1: 76 of 1,611,928 alleles (0.0047%); highest among the groups gnomAD compares: African/African-American, 0.021%; no homozygotes.

Submission:

Labcorp Genetics (formerly Invitae), Labcorp
Classification: Uncertain significance for Left-right axis malformations. Last evaluated: 2025-04-28. Review status: criteria provided, single submitter. Criteria: Invitae Variant Classification Sherloc (09022015). Collection method: clinical testing. Allele origin: germline.
Comment: This sequence change replaces threonine, which is neutral and polar, with isoleucine, which is neutral and non-polar, at codon 258 of the LEFTY2 protein (p.Thr258Ile). This variant is present in population databases (rs143245498, gnomAD 0.04%), and has an allele count higher than expected for a pathogenic variant. This variant has not been reported in the literature in individuals affected with LEFTY2-related conditions. ClinVar contains an entry for this variant (Variation ID: 2783058). Invitae Evidence Modeling of protein sequence and biophysical properties (such as structural, functional, and spatial information, amino acid conservation, physicochemical variation, residue mobility, and thermodynamic stability) has been performed for this missense variant. However, the output from this modeling did not meet the statistical confidence thresholds required to predict the impact of this variant on LEFTY2 protein function. In summary, the available evidence is currently insufficient to determine the role of this variant in disease. Therefore, it has been classified as a Variant of Uncertain Significance.

NM_003240.5(LEFTY2):c.773C>T (p.Thr258Ile)

Gene: LEFTY2 (left-right determination factor 2; minus strand). Cytogenetic location: 1q42.12.
Variant type: single nucleotide variant.
Coding change: c.773C>T on transcript NM_003240.5 (MANE Select); coding-DNA position 773, C replaced by T.
Protein change: p.Thr258Ile; replaces threonine 258 with isoleucine.
Molecular consequence: missense variant.
Genome position (GRCh38, 1-based): chr1:225,937,769, G>A on the plus strand (C>T on the coding strand, the complement: LEFTY2 is on the minus strand). VCF-style: chr1-225937769-G-A. GRCh37 (hg19) VCF-style: chr1-226125469-G-A.
Other names: c.671C>T, p.Thr224Ile (NM_001172425.3); short protein forms T224I, T258I.
Identifiers: ClinVar variation 2783058 (VCV002783058.3), dbSNP rs143245498, ClinGen allele CA1420481.